The following is an entry in ClinVar:

ClinVar aggregate classification (germline): Uncertain significance (1 of 4 stars; one submission).

gnomAD v4.1: 2 of 1,614,220 alleles (0.00012%); highest among the groups gnomAD compares: Admixed American, 0.0017%; no homozygotes.

Submission:

Women's Health and Genetics/Laboratory Corporation of America, LabCorp
Classification: Uncertain significance. Last evaluated: 2025-04-14. Review status: criteria provided, single submitter. Criteria: LabCorp Variant Classification Summary - May 2015. Collection method: clinical testing. Allele origin: germline.
Comment: Variant summary: RYR1 c.2462A>G (p.His821Arg) results in a non-conservative amino acid change in the encoded protein sequence. Three of four in-silico tools predict a benign effect of the variant on protein function. The variant allele was found at a frequency of 4e-06 in 251482 control chromosomes. The available data on variant occurrences in the general population are insufficient to allow any conclusion about variant significance. To our knowledge, no occurrence of c.2462A>G in individuals affected with Congenital multicore myopathy with external ophthalmoplegia and no experimental evidence demonstrating its impact on protein function have been reported. No submitters have cited clinical-significance assessments for this variant to ClinVar. Based on the evidence outlined above, the variant was classified as uncertain significance.

NM_000540.3(RYR1):c.2462A>G (p.His821Arg)

Gene: RYR1 (ryanodine receptor 1; plus strand). Cytogenetic location: 19q13.2.
Variant type: single nucleotide variant.
Coding change: c.2462A>G on transcript NM_000540.3 (MANE Select); coding-DNA position 2462, A replaced by G.
Protein change: p.His821Arg; replaces histidine 821 with arginine.
Molecular consequence: missense variant.
Genome position (GRCh38, 1-based): chr19:38,460,476, A>G. VCF-style: chr19-38460476-A-G. GRCh37 (hg19) VCF-style: chr19-38951116-A-G.
Other names: c.2462A>G, p.His821Arg (NM_001042723.2); short protein forms H821R.
Identifiers: ClinVar variation 3896301 (VCV003896301.2).